The following is an entry in ClinVar:

ClinVar aggregate classification (germline): Uncertain significance (1 of 4 stars; one submission).

Conditions:
Developmental and epileptic encephalopathy, 23 (DEE23). Also called: Epileptic encephalopathy, early infantile, 23. Identifiers: Orphanet 411986, MedGen C4014492, MONDO:0014371, OMIM 615859.

Allele frequency attached by ClinVar (database versions not stated): gnomAD 0.00001; TOPMed below 0.00001; ExAC 0.00001; gnomAD exomes 0.00001.
gnomAD v4.1: 9 of 1,613,894 alleles (0.00056%); highest among the groups gnomAD compares: East Asian, 0.0022%; no homozygotes.

Submission:

Baylor Genetics
Classification: Uncertain significance for Developmental and epileptic encephalopathy, 23. Last evaluated: 2018-05-18. Review status: criteria provided, single submitter. Criteria: ACMG Guidelines, 2015. Collection method: clinical testing. Allele origin: unknown. Affected: yes.
Comment: This variant was determined to be of uncertain significance according to ACMG Guidelines, 2015 [PMID:25741868].

NM_001367561.1(DOCK7):c.5819G>A (p.Arg1940Gln)

Gene: DOCK7 (dedicator of cytokinesis 7; minus strand). Cytogenetic location: 1p31.3.
Variant type: single nucleotide variant.
Coding change: c.5819G>A on transcript NM_001367561.1 (MANE Select); coding-DNA position 5819, G replaced by A.
Protein change: p.Arg1940Gln; replaces arginine 1940 with glutamine.
Molecular consequence: missense variant.
Genome position (GRCh38, 1-based): chr1:62,475,849, C>T on the plus strand (G>A on the coding strand, the complement: DOCK7 is on the minus strand). VCF-style: chr1-62475849-C-T. GRCh37 (hg19) VCF-style: chr1-62941520-C-T.
Other names: c.5786G>A, p.Arg1929Gln (NM_001271999.2); c.5699G>A, p.Arg1900Gln (NM_001272000.2); c.5693G>A, p.Arg1898Gln (NM_001272001.2); c.5792G>A, p.Arg1931Gln (NM_001330614.2); c.5726G>A, p.Arg1909Gln (NM_033407.4); short protein forms R1909Q, R1929Q, R1898Q, R1931Q, R1900Q, R1940Q.
Identifiers: ClinVar variation 1033394 (VCV001033394.1), dbSNP rs779959516, ClinGen allele CA885347.